The following is an entry in ClinVar:

ClinVar aggregate classification (germline): Uncertain significance. Review status: criteria provided, multiple submitters, no conflicts (2 of 4 stars). 2 submissions from 2 submitters: Uncertain significance (2). Last evaluated 2019-12-31.

Conditions:
Intellectual developmental disorder, X-linked 97. Also called: Intellectual disability, X-linked 97. Identifiers: Orphanet 777, MedGen C2749020, MONDO:0010430, OMIM 300803.

Allele frequency attached by ClinVar (database versions not stated): gnomAD 0.00003; gnomAD exomes 0.00001 and 0.00003; ExAC 0.00001; TOPMed 0.00002.
gnomAD v4.1: 38 of 1,208,696 alleles (0.0031%); highest among the groups gnomAD compares: Non-Finnish European, 0.0038%; no homozygotes.

Submissions (2):

Baylor Genetics
Classification: Uncertain significance for Intellectual developmental disorder, X-linked 97. Last evaluated: 2019-12-31. Review status: criteria provided, single submitter. Criteria: ACMG Guidelines, 2015. Collection method: clinical testing. Allele origin: unknown. Affected: yes.
Comment: This variant was determined to be of uncertain significance according to ACMG Guidelines, 2015 [PMID:25741868].

GeneDx
Classification: Uncertain significance. Last evaluated: 2017-08-07. Review status: criteria provided, single submitter. Criteria: GeneDx Variant Classification (06012015). Collection method: clinical testing. Allele origin: germline. Affected: yes.
Comment: A variant of uncertain significance has been identified in the ZNF711 gene. The N601S variant has been reported previously in association with intellectual disability; however, additional information was not provided (Niranjan et al., 2015). The N601S variant is not observed at a significant frequency in large population cohorts (Lek et al., 2016; 1000 Genomes Consortium et al., 2015; Exome Variant Server). The N601S variant is a conservative amino acid substitution, which is not likely to impact secondary protein structure as these residues share similar properties. However, this substitution occurs at a position that is conserved across species, and in silico analysis predicts this variant is probably damaging to the protein structure/function. Therefore, based on the currently available information, it is unclear whether this variant is a pathogenic variant or a rare benign variant.

NM_001330574.2(ZNF711):c.1940A>G (p.Asn647Ser)

Gene: ZNF711 (ZFX family zinc finger ZNF711; plus strand). Cytogenetic location: Xq21.1.
Variant type: single nucleotide variant.
Coding change: c.1940A>G on transcript NM_001330574.2 (MANE Select); coding-DNA position 1940, A replaced by G.
Protein change: p.Asn647Ser; replaces asparagine 647 with serine.
Molecular consequence: missense variant.
Genome position (GRCh38, 1-based): chrX:85,271,344, A>G. VCF-style: chrX-85271344-A-G. GRCh37 (hg19) VCF-style: chrX-84526350-A-G.
Other names: c.1802A>G, p.Asn601Ser (NM_021998.5); short protein forms N601S, N647S.
Identifiers: ClinVar variation 449777 (VCV000449777.3), dbSNP rs760346140, ClinGen allele CA10464815.